The following is an entry in ClinVar:

NM_018646.6(TRPV6):c.1248C>A (p.Ala416=)

Gene: TRPV6 (transient receptor potential cation channel subfamily V member 6; minus strand). Cytogenetic location: 7q34.
Variant type: single nucleotide variant.
Coding change: c.1248C>A on transcript NM_018646.6 (MANE Select); coding-DNA position 1248, C replaced by A.
Protein change: p.Ala416=; no amino-acid change (alanine 416 retained).
Molecular consequence: synonymous variant.
Genome position (GRCh38, 1-based): chr7:142,875,159, G>T on the plus strand (C>A on the coding strand, the complement: TRPV6 is on the minus strand). VCF-style: chr7-142875159-G-T. GRCh37 (hg19) VCF-style: chr7-142572912-G-T.
Identifiers: ClinVar variation 3041393 (VCV003041393.4), dbSNP rs149807525, ClinGen allele CA4532581.
Genomic context (GRCh38, chr7:142,875,159, plus strand): 5'-AGCCCCAATGACAGTCACCAGCTCCCCGACCAGCCGGATATCGTCCTTAGGGGTCATGTA[G>T]GCTTCCTAATGGGGGAGAAGAACAGTCAAAATGCTCAGGGCTTTCAGGCCTCTGCCCTGC-3'
Protein context (NP_061116.5, residues 406-426): TLLQQKLLQE[Ala416=]YMTPKDDIRL

ClinVar aggregate classification (germline): Likely benign. Review status: criteria provided, single submitter (1 of 4 stars). 2 submissions from 2 submitters: Likely benign (1). 1 of the submissions does not count toward it. Last evaluated 2025-11-05.

Conditions:
TRPV6-related disorder. Also called: TRPV6-related condition.

Allele frequency attached by ClinVar (database versions not stated): gnomAD exomes 0.00002; ExAC 0.00007; ESP Exome Variant Server 0.00023; 1000 Genomes Project 30x 0.00016; gnomAD 0.00018; 1000 Genomes Project 0.00020.

Submissions (2):

Labcorp Genetics (formerly Invitae), Labcorp
Classification: Likely benign. Last evaluated: 2025-11-05. Review status: criteria provided, single submitter. Criteria: Invitae Variant Classification Sherloc (09022015). Collection method: clinical testing. Allele origin: germline.

PreventionGenetics, part of Exact Sciences
Classification: Likely benign for TRPV6-related condition. Last evaluated: 2019-05-20. Review status: no assertion criteria provided. Collection method: clinical testing. Allele origin: germline. Not counted in ClinVar's aggregate classification.
Comment: This variant is classified as likely benign based on ACMG/AMP sequence variant interpretation guidelines (Richards et al. 2015 PMID: 25741868, with internal and published modifications).